The following is an entry in ClinVar:

ClinVar aggregate classification (germline): Uncertain significance. Review status: criteria provided, multiple submitters, no conflicts (2 of 4 stars). 2 submissions from 2 submitters: Uncertain significance (2). Last evaluated 2025-07-28.

gnomAD v4.1: 1 of 1,614,246 alleles (0.000062%); highest among the groups gnomAD compares: East Asian, 0.0022%; no homozygotes.

Submissions (2):

Labcorp Genetics (formerly Invitae), Labcorp
Classification: Uncertain significance. Last evaluated: 2025-07-28. Review status: criteria provided, single submitter. Criteria: Invitae Variant Classification Sherloc (09022015). Collection method: clinical testing. Allele origin: germline.
Comment: This sequence change replaces glycine, which is neutral and non-polar, with arginine, which is basic and polar, at codon 469 of the ABCA4 protein (p.Gly469Arg). This variant is not present in population databases (gnomAD no frequency). This variant has not been reported in the literature in individuals affected with ABCA4-related conditions. ClinVar contains an entry for this variant (Variation ID: 957304). Invitae Evidence Modeling of protein sequence and biophysical properties (such as structural, functional, and spatial information, amino acid conservation, physicochemical variation, residue mobility, and thermodynamic stability) has been performed for this missense variant. However, the output from this modeling did not meet the statistical confidence thresholds required to predict the impact of this variant on ABCA4 protein function. In summary, the available evidence is currently insufficient to determine the role of this variant in disease. Therefore, it has been classified as a Variant of Uncertain Significance.

Blueprint Genetics
Classification: Uncertain significance. Last evaluated: 2019-09-10. Review status: criteria provided, single submitter. Criteria: ACMG Guidelines, 2015. Collection method: clinical testing. Allele origin: germline.

NM_000350.3(ABCA4):c.1405G>C (p.Gly469Arg)

Gene: ABCA4 (ATP binding cassette subfamily A member 4; minus strand). Cytogenetic location: 1p22.1.
Variant type: single nucleotide variant.
Coding change: c.1405G>C on transcript NM_000350.3 (MANE Select); coding-DNA position 1405, G replaced by C.
Protein change: p.Gly469Arg; replaces glycine 469 with arginine.
Molecular consequence: missense variant.
Genome position (GRCh38, 1-based): chr1:94,077,839, C>G on the plus strand (G>C on the coding strand, the complement: ABCA4 is on the minus strand). VCF-style: chr1-94077839-C-G. GRCh37 (hg19) VCF-style: chr1-94543395-C-G.
Other names: c.1405G>C, p.Gly469Arg (NM_001425324.1); short protein forms G469R.
Identifiers: ClinVar variation 957304 (VCV000957304.9), dbSNP rs1661578472, ClinGen allele CA341282109.